The following is an entry in ClinVar:

ClinVar aggregate classification (germline): Uncertain significance (1 of 4 stars; one submission).

Conditions:
Inborn genetic diseases. Identifiers: MedGen C0950123, MeSH D030342.

Allele frequency attached by ClinVar (database versions not stated): TOPMed below 0.00001; ExAC 0.00002; gnomAD exomes 0.00002.
gnomAD v4.1: 23 of 1,614,084 alleles (0.0014%); highest among the groups gnomAD compares: East Asian, 0.0022%; no homozygotes.

Submission:

Ambry Genetics
Classification: Uncertain significance for Inborn genetic diseases. Last evaluated: 2020-11-13. Review status: criteria provided, single submitter. Criteria: Ambry Variant Classification Scheme 2023. Collection method: clinical testing. Allele origin: germline.
Comment: The p.E433K variant (also known as c.1297G>A), located in coding exon 4 of the PRX gene, results from a G to A substitution at nucleotide position 1297. The glutamic acid at codon 433 is replaced by lysine, an amino acid with similar properties. This amino acid position is not well conserved in available vertebrate species. In addition, this alteration is predicted to be tolerated by in silico analysis. Since supporting evidence is limited at this time, the clinical significance of this alteration remains unclear.

NM_181882.3(PRX):c.1297G>A (p.Glu433Lys)

Gene: PRX (periaxin; minus strand). Cytogenetic location: 19q13.2.
Variant type: single nucleotide variant.
Coding change: c.1297G>A on transcript NM_181882.3 (MANE Select); coding-DNA position 1297, G replaced by A.
Protein change: p.Glu433Lys; replaces glutamic acid 433 with lysine.
Molecular consequence: missense variant. On other transcripts: 3 prime UTR variant (1).
Genome position (GRCh38, 1-based): chr19:40,397,055, C>T on the plus strand (G>A on the coding strand, the complement: PRX is on the minus strand). VCF-style: chr19-40397055-C-T. GRCh37 (hg19) VCF-style: chr19-40902962-C-T.
Other names: c.1582G>A, p.Glu528Lys (NM_001411127.1); c.*1502G>A (NM_020956.2); short protein forms E433K, E528K.
Identifiers: ClinVar variation 1769245 (VCV001769245.2), dbSNP rs768074719, ClinGen allele CA9444290.
Genomic context (GRCh38, chr19:40,397,055, plus strand): 5'-GAAGCTTGACCTCAGGAGCCTTGGGGAGCTTCACTTCAGGTCCCTTGGGCACCTTGACCT[C>T]GGGCCCTGACACTCCGATGCCAAGGGAGGGCATCTTGATGGTGGGCAGCTTCAGCTTGCT-3'
Protein context (NP_870998.2, residues 423-443): PSLGIGVSGP[Glu433Lys]VKVPKGPEVK